The following is an entry in ClinVar:

ClinVar aggregate classification (germline): Uncertain significance (1 of 4 stars; one submission).

Conditions:
CLPTM1-related disorder. Also called: CLPTM1-related condition.

Submission:

PreventionGenetics, part of Exact Sciences
Classification: Uncertain significance for CLPTM1-related condition. Last evaluated: 2025-03-27. Review status: criteria provided, single submitter. Criteria: ACMG Guidelines, 2015. Collection method: clinical testing. Allele origin: germline.
Comment: The CLPTM1 c.1858G>T variant is predicted to result in the amino acid substitution p.Ala620Ser. To our knowledge, this variant has not been reported in the literature or in a large population database (gnomAD), indicating this variant is rare. At this time, the clinical significance of this variant is uncertain due to the absence of conclusive functional and genetic evidence.

NM_001294.4(CLPTM1):c.1858G>T (p.Ala620Ser)

Gene: CLPTM1 (CLPTM1 regulator of GABA type A receptor forward trafficking; plus strand). Cytogenetic location: 19q13.32.
Variant type: single nucleotide variant.
Coding change: c.1858G>T on transcript NM_001294.4 (MANE Select); coding-DNA position 1858, G replaced by T.
Protein change: p.Ala620Ser; replaces alanine 620 with serine.
Molecular consequence: missense variant.
Genome position (GRCh38, 1-based): chr19:44,992,745, G>T. VCF-style: chr19-44992745-G-T. GRCh37 (hg19) VCF-style: chr19-45496003-G-T.
Other names: c.1816G>T, p.Ala606Ser (NM_001282175.2); c.1552G>T, p.Ala518Ser (NM_001282176.2); short protein forms A606S, A620S, A518S.
Identifiers: ClinVar variation 5000980 (VCV005000980.1).